The following is an entry in ClinVar:

NM_173598.6(KSR2):c.1388G>A (p.Arg463Gln)

Gene: KSR2 (kinase suppressor of ras 2; minus strand). Cytogenetic location: 12q24.22.
Variant type: single nucleotide variant.
Coding change: c.1388G>A on transcript NM_173598.6 (MANE Select); coding-DNA position 1388, G replaced by A.
Protein change: p.Arg463Gln; replaces arginine 463 with glutamine.
Molecular consequence: missense variant.
Genome position (GRCh38, 1-based): chr12:117,558,511, C>T on the plus strand (G>A on the coding strand, the complement: KSR2 is on the minus strand). VCF-style: chr12-117558511-C-T. GRCh37 (hg19) VCF-style: chr12-117996316-C-T.
Other names: c.1301G>A (NM_173598.4); short protein forms R463Q.
Identifiers: ClinVar variation 2164194 (VCV002164194.7), dbSNP rs778643385, ClinGen allele CA6816038.

ClinVar aggregate classification (germline): Uncertain significance. Review status: criteria provided, multiple submitters, no conflicts (2 of 4 stars). 3 submissions from 3 submitters: Uncertain significance (2). 1 of the submissions does not count toward it. Last evaluated 2024-03-04.

Conditions:
KSR2-related disorder. Also called: KSR2-related condition.

Allele frequency attached by ClinVar (database versions not stated): gnomAD 0.00003; ExAC 0.00004; TOPMed 0.00005.
gnomAD v4.1: 37 of 1,613,618 alleles (0.0023%); highest among the groups gnomAD compares: Middle Eastern, 0.049%; no homozygotes.

Submissions (3):

Ambry Genetics
Classification: Uncertain significance. Last evaluated: 2024-03-04. Review status: criteria provided, single submitter. Criteria: Ambry Variant Classification Scheme 2023. Collection method: clinical testing. Allele origin: germline.

Labcorp Genetics (formerly Invitae), Labcorp
Classification: Uncertain significance. Last evaluated: 2022-07-03. Review status: criteria provided, single submitter. Criteria: Invitae Variant Classification Sherloc (09022015). Collection method: clinical testing. Allele origin: germline.
Comment: In summary, the available evidence is currently insufficient to determine the role of this variant in disease. Therefore, it has been classified as a Variant of Uncertain Significance. Algorithms developed to predict the effect of missense changes on protein structure and function are either unavailable or do not agree on the potential impact of this missense change (SIFT: "Deleterious"; PolyPhen-2: "Benign"; Align-GVGD: "Class C0"). This variant has not been reported in the literature in individuals affected with KSR2-related conditions. This variant is present in population databases (rs778643385, gnomAD 0.02%). This sequence change replaces arginine, which is basic and polar, with glutamine, which is neutral and polar, at codon 434 of the KSR2 protein (p.Arg434Gln).

PreventionGenetics, part of Exact Sciences
Classification: Uncertain significance for KSR2-related condition. Last evaluated: 2024-08-06. Review status: no assertion criteria provided. Collection method: clinical testing. Allele origin: germline. Not counted in ClinVar's aggregate classification.
Comment: The KSR2 c.1301G>A variant is predicted to result in the amino acid substitution p.Arg434Gln. To our knowledge, this variant has not been reported in the literature. This variant is reported in 0.017% of alleles in individuals of African descent in gnomAD. At this time, the clinical significance of this variant is uncertain due to the absence of conclusive functional and genetic evidence.